The following is an entry in ClinVar:

NM_031935.3(HMCN1):c.8669C>A (p.Ala2890Glu)

Gene: HMCN1 (hemicentin 1; plus strand). Cytogenetic location: 1q31.1.
Variant type: single nucleotide variant.
Coding change: c.8669C>A on transcript NM_031935.3 (MANE Select); coding-DNA position 8669, C replaced by A.
Protein change: p.Ala2890Glu; replaces alanine 2890 with glutamic acid.
Molecular consequence: missense variant.
Genome position (GRCh38, 1-based): chr1:186,081,276, C>A. VCF-style: chr1-186081276-C-A. GRCh37 (hg19) VCF-style: chr1-186050408-C-A.
Other names: short protein forms A2890E.
Identifiers: ClinVar variation 2123191 (VCV002123191.4), dbSNP rs1489019808, ClinGen allele CA343914552.

ClinVar aggregate classification (germline): Uncertain significance (1 of 4 stars; one submission).

Submission:

Labcorp Genetics (formerly Invitae), Labcorp
Classification: Uncertain significance. Last evaluated: 2022-04-08. Review status: criteria provided, single submitter. Criteria: Invitae Variant Classification Sherloc (09022015). Collection method: clinical testing. Allele origin: germline.
Comment: This sequence change replaces alanine, which is neutral and non-polar, with glutamic acid, which is acidic and polar, at codon 2890 of the HMCN1 protein (p.Ala2890Glu). This variant is not present in population databases (gnomAD no frequency). This variant has not been reported in the literature in individuals affected with HMCN1-related conditions. Algorithms developed to predict the effect of missense changes on protein structure and function (SIFT, PolyPhen-2, Align-GVGD) all suggest that this variant is likely to be tolerated. In summary, the available evidence is currently insufficient to determine the role of this variant in disease. Therefore, it has been classified as a Variant of Uncertain Significance.